The following is an entry in ClinVar:

NM_000081.4(LYST):c.22C>G (p.Leu8Val)

Gene: LYST (lysosomal trafficking regulator; minus strand). Cytogenetic location: 1q42.3.
Variant type: single nucleotide variant.
Coding change: c.22C>G on transcript NM_000081.4 (MANE Select); coding-DNA position 22, C replaced by G.
Protein change: p.Leu8Val; replaces leucine 8 with valine.
Molecular consequence: missense variant. On other transcripts: non-coding transcript variant (1).
Genome position (GRCh38, 1-based): chr1:235,830,396, G>C on the plus strand (C>G on the coding strand, the complement: LYST is on the minus strand). VCF-style: chr1-235830396-G-C. GRCh37 (hg19) VCF-style: chr1-235993696-G-C.
Other names: c.22C>G, p.Leu8Val (NM_001301365.1); short protein forms L8V.
Identifiers: ClinVar variation 2069426 (VCV002069426.4), dbSNP rs2527303164, ClinGen allele CA344969476.
Genomic context (GRCh38, chr1:235,830,396, plus strand): 5'-CCACCCTCTGGACCACTGCATTGCAAAGCCGGTTGACATCGGTCAGAAATTCACGTGCCA[G>C]TGAGTTACTGTCGGTGCTCATGACCGAGCTATAAAATAAGTATTACAAAAAAAAAAGATT-3'
Protein context (NP_000072.2, residues 1-18): MSTDSNS[Leu8Val]AREFLTDVNR

ClinVar aggregate classification (germline): Uncertain significance (1 of 4 stars; one submission).

Conditions:
Chédiak-Higashi syndrome (CHS). Also called: Chediak-Higashi Syndrome. Identifiers: Orphanet 167, MedGen C0007965, MONDO:0008963, OMIM 214500.

Allele frequency attached by ClinVar (database versions not stated): gnomAD exomes below 0.00001.
gnomAD v4.1: 4 of 1,613,516 alleles (0.00025%); highest among the groups gnomAD compares: Non-Finnish European, 0.00034%; no homozygotes.

Submission:

Labcorp Genetics (formerly Invitae), Labcorp
Classification: Uncertain significance for Chédiak-Higashi syndrome. Last evaluated: 2022-03-09. Review status: criteria provided, single submitter. Criteria: Invitae Variant Classification Sherloc (09022015). Collection method: clinical testing. Allele origin: germline.
Comment: In summary, the available evidence is currently insufficient to determine the role of this variant in disease. Therefore, it has been classified as a Variant of Uncertain Significance. Algorithms developed to predict the effect of missense changes on protein structure and function are either unavailable or do not agree on the potential impact of this missense change (SIFT: "Deleterious"; PolyPhen-2: "Probably Damaging"; Align-GVGD: "Class C0"). This variant has not been reported in the literature in individuals affected with LYST-related conditions. This variant is not present in population databases (gnomAD no frequency). This sequence change replaces leucine, which is neutral and non-polar, with valine, which is neutral and non-polar, at codon 8 of the LYST protein (p.Leu8Val).